The following is an entry in ClinVar:

ClinVar aggregate classification (germline): Uncertain significance. Review status: criteria provided, multiple submitters, no conflicts (2 of 4 stars). 2 submissions from 2 submitters: Uncertain significance (2). Last evaluated 2025-10-13.

Allele frequency attached by ClinVar (database versions not stated): TOPMed 0.00003; gnomAD 0.00005; gnomAD exomes 0.00006 and 0.00010; ExAC 0.00008; ESP Exome Variant Server 0.00008; 1000 Genomes Project 30x 0.00031; 1000 Genomes Project 0.00040.
gnomAD v4.1: 162 of 1,613,162 alleles (0.01%); highest among the groups gnomAD compares: Middle Eastern, 0.17%; no homozygotes.

Submissions (2):

Labcorp Genetics (formerly Invitae), Labcorp
Classification: Uncertain significance. Last evaluated: 2025-10-13. Review status: criteria provided, single submitter. Criteria: Invitae Variant Classification Sherloc (09022015). Collection method: clinical testing. Allele origin: germline.
Comment: This sequence change replaces lysine, which is basic and polar, with glutamic acid, which is acidic and polar, at codon 518 of the TCF3 protein (p.Lys518Glu). This variant is present in population databases (rs375552133, gnomAD 0.01%). This variant has not been reported in the literature in individuals affected with TCF3-related conditions. ClinVar contains an entry for this variant (Variation ID: 999423). Invitae Evidence Modeling of protein sequence and biophysical properties (such as structural, functional, and spatial information, amino acid conservation, physicochemical variation, residue mobility, and thermodynamic stability) indicates that this missense variant is not expected to disrupt TCF3 protein function with a negative predictive value of 80%. In summary, the available evidence is currently insufficient to determine the role of this variant in disease. Therefore, it has been classified as a Variant of Uncertain Significance.

CeGaT Center for Human Genetics Tuebingen
Classification: Uncertain significance. Last evaluated: 2023-02-01. Review status: criteria provided, single submitter. Criteria: CeGaT Center For Human Genetics Tuebingen Variant Classification Criteria Version 2. Collection method: clinical testing. Allele origin: germline. Affected: yes. Observed: 1 variant allele.

NM_003200.5(TCF3):c.1552A>G (p.Lys518Glu)

Gene: TCF3 (transcription factor 3; minus strand). Cytogenetic location: 19p13.3.
Variant type: single nucleotide variant.
Coding change: c.1552A>G on transcript NM_003200.5 (MANE Select); coding-DNA position 1552, A replaced by G.
Protein change: p.Lys518Glu; replaces lysine 518 with glutamic acid.
Molecular consequence: missense variant.
Genome position (GRCh38, 1-based): chr19:1,615,720, T>C on the plus strand (A>G on the coding strand, the complement: TCF3 is on the minus strand). VCF-style: chr19-1615720-T-C. GRCh37 (hg19) VCF-style: chr19-1615719-T-C.
Other names: c.1552A>G, p.Lys518Glu (NM_001136139.4, NM_001351779.2); c.1549A>G, p.Lys517Glu (NM_001351778.2); short protein forms K517E, K518E.
Identifiers: ClinVar variation 999423 (VCV000999423.30), dbSNP rs375552133, ClinGen allele CA9049769.
Genomic context (GRCh38, chr19:1,615,720, plus strand): 5'-GGGAGTGCCGAGGGGTGGGTTGGCACCTGGTCCGGGCCCGGGGGGCCTTCAGCTCCTTCT[T>C]CTCCTCCTCCGAGTGGTCAGCCGCTGACGTGTTCTCCTCGTCCTCCTTCTCCTCCCGCTT-3'
Protein context (NP_003191.1, residues 508-528): TSAADHSEEE[Lys518Glu]KELKAPRART